The following is an entry in ClinVar:

ClinVar aggregate classification (germline): Benign/Likely benign. Review status: criteria provided, multiple submitters, no conflicts (2 of 4 stars). 2 submissions from 2 submitters: Benign (1); Likely benign (1). Last evaluated 2022-12-01.

Allele frequency attached by ClinVar (database versions not stated): 1000 Genomes Project 30x 0.00156; 1000 Genomes Project 0.00160; gnomAD exomes 0.00237 and 0.00292; ESP Exome Variant Server 0.00238; ExAC 0.00244; TOPMed 0.00244.
gnomAD v4.1: 4,582 of 1,614,066 alleles (0.28%); highest among the groups gnomAD compares: Non-Finnish European, 0.35%; 15 homozygotes.

Submissions (2):

CeGaT Center for Human Genetics Tuebingen
Classification: Likely benign. Last evaluated: 2022-12-01. Review status: criteria provided, single submitter. Criteria: CeGaT Center For Human Genetics Tuebingen Variant Classification Criteria Version 2. Collection method: clinical testing. Allele origin: germline. Affected: yes. Observed: 1 variant allele.
Comment: DAGLB: BP4, BP7, BS2

Labcorp Genetics (formerly Invitae), Labcorp
Classification: Benign. Last evaluated: 2018-02-25. Review status: criteria provided, single submitter. Criteria: Invitae Variant Classification Sherloc (09022015). Collection method: clinical testing. Allele origin: germline.

NM_139179.4(DAGLB):c.1896T>C (p.Gly632=)

Gene: DAGLB (diacylglycerol lipase beta; minus strand). Cytogenetic location: 7p22.1.
Variant type: single nucleotide variant.
Coding change: c.1896T>C on transcript NM_139179.4 (MANE Select); coding-DNA position 1896, T replaced by C.
Protein change: p.Gly632=; no amino-acid change (glycine 632 retained).
Molecular consequence: synonymous variant.
Genome position (GRCh38, 1-based): chr7:6,409,960, A>G on the plus strand (T>C on the coding strand, the complement: DAGLB is on the minus strand). VCF-style: chr7-6409960-A-G. GRCh37 (hg19) VCF-style: chr7-6449591-A-G.
Other names: c.1509T>C, p.Gly503= (NM_001142936.2).
Identifiers: ClinVar variation 770735 (VCV000770735.27), dbSNP rs141846216, ClinGen allele CA4153910.
Genomic context (GRCh38, chr7:6,409,960, plus strand): 5'-GACCACGCTGTCCAAGGCCCGCATCAGGATGTCTGGCATGTGGTCGGTGAGCATCTTCGG[A>G]CCTATGAGTATTTTGCTGAATTCCGCTTCGTGTGACCACTTGGCGCTATAGTGAGCAGCA-3'
Protein context (NP_631918.3, residues 622-642): HEAEFSKILI[Gly632=]PKMLTDHMPD